The following is an entry in ClinVar:

ClinVar aggregate classification (germline): Uncertain significance (1 of 4 stars; one submission).

Allele frequency attached by ClinVar (database versions not stated): gnomAD exomes below 0.00001 and 0.00001; ExAC 0.00001; TOPMed 0.00002.
gnomAD v4.1: 6 of 1,614,060 alleles (0.00037%); highest among the groups gnomAD compares: South Asian, 0.0033%; no homozygotes.

Submission:

Labcorp Genetics (formerly Invitae), Labcorp
Classification: Uncertain significance. Last evaluated: 2022-08-31. Review status: criteria provided, single submitter. Criteria: Invitae Variant Classification Sherloc (09022015). Collection method: clinical testing. Allele origin: germline.
Comment: This variant is present in population databases (rs768814618, gnomAD 0.006%). In summary, the available evidence is currently insufficient to determine the role of this variant in disease. Therefore, it has been classified as a Variant of Uncertain Significance. Algorithms developed to predict the effect of missense changes on protein structure and function are either unavailable or do not agree on the potential impact of this missense change (SIFT: "Tolerated"; PolyPhen-2: "Probably Damaging"; Align-GVGD: "Class C15"). ClinVar contains an entry for this variant (Variation ID: 1680582). This variant has not been reported in the literature in individuals affected with FAM46A-related conditions. This sequence change replaces arginine, which is basic and polar, with cysteine, which is neutral and slightly polar, at codon 350 of the FAM46A protein (p.Arg350Cys).

NM_017633.3(TENT5A):c.1048C>T (p.Arg350Cys)

Gene: TENT5A (terminal nucleotidyltransferase 5A; minus strand). Cytogenetic location: 6q14.1.
Variant type: single nucleotide variant.
Coding change: c.1048C>T on transcript NM_017633.3 (MANE Select); coding-DNA position 1048, C replaced by T.
Protein change: p.Arg350Cys; replaces arginine 350 with cysteine.
Molecular consequence: missense variant.
Genome position (GRCh38, 1-based): chr6:81,749,976, G>A on the plus strand (C>T on the coding strand, the complement: TENT5A is on the minus strand). VCF-style: chr6-81749976-G-A. GRCh37 (hg19) VCF-style: chr6-82459693-G-A.
Other names: short protein forms R350C.
Identifiers: ClinVar variation 1680582 (VCV001680582.8), dbSNP rs768814618, ClinGen allele CA3902931.